The following is an entry in ClinVar:

NM_001081.4(CUBN):c.1358C>A (p.Ser453Tyr)

Genes: CUBN (cubilin; minus strand), LOC129390143 (MPRA-validated peak884 silencer; plus strand). Cytogenetic location: 10p13.
Variant type: single nucleotide variant.
Coding change: c.1358C>A on transcript NM_001081.4 (MANE Select); coding-DNA position 1358, C replaced by A.
Protein change: p.Ser453Tyr; replaces serine 453 with tyrosine.
Molecular consequence: missense variant.
Genome position (GRCh38, 1-based): chr10:17,104,478, G>T on the plus strand (C>A on the coding strand, the complement: CUBN is on the minus strand). VCF-style: chr10-17104478-G-T. GRCh37 (hg19) VCF-style: chr10-17146477-G-T.
Other names: short protein forms S453Y.
Identifiers: ClinVar variation 970549 (VCV000970549.31), dbSNP rs368630481, ClinGen allele CA5425305.
Genomic context (GRCh38, chr10:17,104,478, plus strand): 5'-CCTTGCTGAGGAACCTGACAGAGAGCTCCAGTCCAGAGACGTGTGCATTCACAACTGAAA[G>T]AATCAACGCCATCAACACAAGTTCCTCCATTCAAACAGGGGTTGCTCAAACACTCATTGA-3'
Protein context (NP_001072.2, residues 443-463): NGGTCVDGVD[Ser453Tyr]FSCECTRLWT

ClinVar aggregate classification (germline): Uncertain significance. Review status: criteria provided, multiple submitters, no conflicts (2 of 4 stars). 4 submissions from 4 submitters: Uncertain significance (4). Last evaluated 2025-09-28.

Conditions:
Imerslund-Grasbeck syndrome type 1 (IGS1). Also called: MEGALOBLASTIC ANEMIA, 1; Imerslund-Gräsbeck syndrome 1; Megaloblastic anemia 1, Finnish type. Identifiers: MedGen C4016819, MONDO:0100156, OMIM 261100.
Proteinuria, chronic benign. Identifiers: MedGen C5394384, MONDO:0030042, OMIM 618884.
Imerslund-Grasbeck syndrome. Also called: Imerslund-Gräsbeck syndrome; ENTEROCYTE COBALAMIN MALABSORPTION; ENTEROCYTE INTRINSIC FACTOR RECEPTOR, DEFECT OF; PERNICIOUS ANEMIA, JUVENILE, DUE TO SELECTIVE INTESTINAL MALABSORPTION OF VITAMIN B12, WITH PROTEINURIA; Megaloblastic anemia due to inborn errors of metabolism. Identifiers: Orphanet 35858, MedGen C4551825, MONDO:0009853.
Inborn genetic diseases. Identifiers: MedGen C0950123, MeSH D030342.

Allele frequency attached by ClinVar (database versions not stated): ESP Exome Variant Server 0.00008; TOPMed 0.00011; gnomAD exomes 0.00012 and 0.00017; gnomAD 0.00013 and 0.00014; ExAC 0.00018.
gnomAD v4.1: 187 of 1,613,834 alleles (0.012%); highest among the groups gnomAD compares: Non-Finnish European, 0.014%; no homozygotes.

Submissions (4):

Ambry Genetics
Classification: Uncertain significance for Inborn genetic diseases. Last evaluated: 2025-09-28. Review status: criteria provided, single submitter. Criteria: Ambry Variant Classification Scheme 2023. Collection method: clinical testing. Allele origin: germline.

Fulgent Genetics
Classification: Uncertain significance for Imerslund-Grasbeck syndrome type 1; Proteinuria, chronic benign. Last evaluated: 2023-12-26. Review status: criteria provided, single submitter. Criteria: ACMG Guidelines, 2015. Collection method: clinical testing. Allele origin: germline.

CeGaT Center for Human Genetics Tuebingen
Classification: Uncertain significance. Last evaluated: 2023-01-01. Review status: criteria provided, single submitter. Criteria: CeGaT Center For Human Genetics Tuebingen Variant Classification Criteria Version 2. Collection method: clinical testing. Allele origin: germline. Affected: yes. Observed: 1 variant allele.
Comment: CUBN: PM2

Labcorp Genetics (formerly Invitae), Labcorp
Classification: Uncertain significance for Imerslund-Grasbeck syndrome. Last evaluated: 2022-02-11. Review status: criteria provided, single submitter. Criteria: Invitae Variant Classification Sherloc (09022015). Collection method: clinical testing. Allele origin: germline.
Comment: This sequence change replaces serine, which is neutral and polar, with tyrosine, which is neutral and polar, at codon 453 of the CUBN protein (p.Ser453Tyr). This variant is present in population databases (rs368630481, gnomAD 0.03%). This variant has not been reported in the literature in individuals affected with CUBN-related conditions. ClinVar contains an entry for this variant (Variation ID: 970549). Algorithms developed to predict the effect of missense changes on protein structure and function are either unavailable or do not agree on the potential impact of this missense change (SIFT: "Deleterious"; PolyPhen-2: "Possibly Damaging"; Align-GVGD: "Class C15"). In summary, the available evidence is currently insufficient to determine the role of this variant in disease. Therefore, it has been classified as a Variant of Uncertain Significance.